The following is an entry in ClinVar:

NM_152564.5(VPS13B):c.7985C>G (p.Ser2662Ter)

Gene: VPS13B (vacuolar protein sorting 13 homolog B; plus strand). Cytogenetic location: 8q22.2.
Variant type: single nucleotide variant.
Coding change: c.7985C>G on transcript NM_152564.5 (MANE Select); coding-DNA position 7985, C replaced by G.
Protein change: p.Ser2662Ter; replaces serine 2662 with a stop codon.
Molecular consequence: nonsense.
Genome position (GRCh38, 1-based): chr8:99,809,418, C>G. VCF-style: chr8-99809418-C-G. GRCh37 (hg19) VCF-style: chr8-100821646-C-G.
Other names: c.8060C>G, p.Ser2687Ter (NM_017890.5); short protein forms S2662*, S2687*.
Identifiers: ClinVar variation 1359706 (VCV001359706.6), dbSNP rs1813585665, ClinGen allele CA371769705.
Genomic context (GRCh38, chr8:99,809,418, plus strand): 5'-ATTGTTTTTTTCTCCAGCTGTTACACATCTGTATTGAAGGTTGGGGCAACTGGCGTTGGT[C>G]AGAGCCTTTCAGTGTGGACCATGCCGGGACTTTTATTAGAACAATTCAGTACAGGGGTCG-3'

ClinVar aggregate classification (germline): Pathogenic (1 of 4 stars; one submission).

Conditions:
Cohen syndrome (COH1). Also called: PEPPER SYNDROME; Cutis verticis gyrata, retinitis pigmentosa, and sensorineural deafness. Identifiers: Orphanet 193, MedGen C0265223, MONDO:0008999, OMIM 216550.

Submission:

Labcorp Genetics (formerly Invitae), Labcorp
Classification: Pathogenic for Cohen syndrome. Last evaluated: 2020-12-09. Review status: criteria provided, single submitter. Criteria: Invitae Variant Classification Sherloc (09022015). Collection method: clinical testing. Allele origin: germline.
Comment: This variant is not present in population databases (ExAC no frequency). This sequence change creates a premature translational stop signal (p.Ser2687*) in the VPS13B gene. It is expected to result in an absent or disrupted protein product. Loss-of-function variants in VPS13B are known to be pathogenic (PMID: 15141358, 16648375, 20461111). For these reasons, this variant has been classified as Pathogenic. This variant has not been reported in the literature in individuals with VPS13B-related conditions.

Literature cited by the submitters: PubMed 15141358; PubMed 16648375; PubMed 20461111.